The following is an entry in ClinVar:

NM_001430.5(EPAS1):c.848C>T (p.Ala283Val)

Gene: EPAS1 (endothelial PAS domain protein 1; plus strand). Cytogenetic location: 2p21.
Variant type: single nucleotide variant.
Coding change: c.848C>T on transcript NM_001430.5 (MANE Select); coding-DNA position 848, C replaced by T.
Protein change: p.Ala283Val; replaces alanine 283 with valine.
Molecular consequence: missense variant.
Genome position (GRCh38, 1-based): chr2:46,369,895, C>T. VCF-style: chr2-46369895-C-T. GRCh37 (hg19) VCF-style: chr2-46597034-C-T.
Other names: short protein forms A283V.
Identifiers: ClinVar variation 1763565 (VCV001763565.3), dbSNP rs767899036, ClinGen allele CA1644787.

ClinVar aggregate classification (germline): Uncertain significance (1 of 4 stars; one submission).

Conditions:
Inborn genetic diseases. Identifiers: MedGen C0950123, MeSH D030342.

Allele frequency attached by ClinVar (database versions not stated): TOPMed below 0.00001; ExAC 0.00001.

Submission:

Ambry Genetics
Classification: Uncertain significance for Inborn genetic diseases. Last evaluated: 2024-08-01. Review status: criteria provided, single submitter. Criteria: Ambry Variant Classification Scheme 2023. Collection method: clinical testing. Allele origin: germline.
Comment: The p.A283V variant (also known as c.848C>T), located in coding exon 7 of the EPAS1 gene, results from a C to T substitution at nucleotide position 848. The alanine at codon 283 is replaced by valine, an amino acid with similar properties. This amino acid position is conserved. In addition, the in silico prediction for this alteration is inconclusive. Since supporting evidence is limited at this time, the clinical significance of this alteration remains unclear.